The following is an entry in ClinVar:

NM_000540.3(RYR1):c.4161-74G>T

Gene: RYR1 (ryanodine receptor 1; plus strand). Cytogenetic location: 19q13.2.
Variant type: single nucleotide variant.
Coding change: c.4161-74G>T on transcript NM_000540.3 (MANE Select); 74 bases into the intron before coding-DNA position 4161, G replaced by T.
Molecular consequence: intron variant.
Genome position (GRCh38, 1-based): chr19:38,475,244, G>T. VCF-style: chr19-38475244-G-T. GRCh37 (hg19) VCF-style: chr19-38965884-G-T.
Other names: c.4161-74G>T (NM_001042723.2).
Identifiers: ClinVar variation 669187 (VCV000669187.2), dbSNP rs112210268, ClinGen allele CA308082673.

ClinVar aggregate classification (germline): Benign. Review status: criteria provided, multiple submitters, no conflicts (2 of 4 stars). 2 submissions from 2 submitters: Benign (2). Last evaluated 2018-06-19.

Allele frequency attached by ClinVar (database versions not stated): TOPMed 0.04192; 1000 Genomes Project 0.04353; 1000 Genomes Project 30x 0.04497.
gnomAD v4.1: 11,109 of 1,541,956 alleles (0.72%); highest among the groups gnomAD compares: African/African-American, 13%; 630 homozygotes.

Submissions (2):

GeneDx
Classification: Benign. Last evaluated: 2018-06-19. Review status: criteria provided, single submitter. Criteria: GeneDx Variant Classification (06012015). Collection method: clinical testing. Allele origin: germline. Affected: yes.
Comment: This variant is considered likely benign or benign based on one or more of the following criteria: it is a conservative change, it occurs at a poorly conserved position in the protein, it is predicted to be benign by multiple in silico algorithms, and/or has population frequency not consistent with disease.

Breakthrough Genomics
Classification: Benign. Review status: criteria provided, single submitter. Criteria: ACMG Guidelines, 2015. Collection method: not provided. Allele origin: germline. Inheritance: Autosomal recessive inheritance. Affected: yes.